The following is an entry in ClinVar:

ClinVar aggregate classification (germline): Uncertain significance (1 of 4 stars; one submission).

Submission:

GeneDx
Classification: Uncertain significance. Last evaluated: 2024-07-24. Review status: criteria provided, single submitter. Criteria: GeneDx Variant Classification Process June 2021. Collection method: clinical testing. Allele origin: germline. Affected: yes.
Comment: Not observed at significant frequency in large population cohorts (gnomAD); In silico analysis supports that this missense variant has a deleterious effect on protein structure/function; Has not been previously published as pathogenic or benign to our knowledge

NM_182641.4(BPTF):c.5330T>C (p.Leu1777Ser)

Gene: BPTF (bromodomain PHD finger transcription factor; plus strand). Cytogenetic location: 17q24.2.
Variant type: single nucleotide variant.
Coding change: c.5330T>C on transcript NM_182641.4 (MANE Select); coding-DNA position 5330, T replaced by C.
Protein change: p.Leu1777Ser; replaces leucine 1777 with serine.
Molecular consequence: missense variant.
Genome position (GRCh38, 1-based): chr17:67,918,740, T>C. VCF-style: chr17-67918740-T-C. GRCh37 (hg19) VCF-style: chr17-65914856-T-C.
Other names: c.5708T>C, p.Leu1903Ser (NM_004459.7); short protein forms L1777S, L1903S.
Identifiers: ClinVar variation 3600564 (VCV003600564.1).